The following is an entry in ClinVar:

ClinVar aggregate classification (germline): Uncertain significance (1 of 4 stars; one submission).

gnomAD v4.1: 1 of 1,579,066 alleles (0.000063%); highest among the groups gnomAD compares: South Asian, 0.0012%; no homozygotes.

Submission:

CeGaT Center for Human Genetics Tuebingen
Classification: Uncertain significance. Last evaluated: 2025-04-01. Review status: criteria provided, single submitter. Criteria: CeGaT Center For Human Genetics Tuebingen Variant Classification Criteria Version 2. Collection method: clinical testing. Allele origin: germline. Affected: yes. Observed: 1 variant allele.
Comment: TTN: PM2

NM_001267550.2(TTN):c.91259T>C (p.Val30420Ala)

Genes: TTN (titin; minus strand), TTN-AS1 (TTN antisense RNA 1; plus strand). Cytogenetic location: 2q31.2.
Variant type: single nucleotide variant.
Coding change: c.91259T>C on transcript NM_001267550.2 (MANE Select); coding-DNA position 91259, T replaced by C.
Protein change: p.Val30420Ala; replaces valine 30420 with alanine.
Molecular consequence: missense variant.
Genome position (GRCh38, 1-based): chr2:178,551,641, A>G on the plus strand (T>C on the coding strand, the complement: TTN is on the minus strand). VCF-style: chr2-178551641-A-G. GRCh37 (hg19) VCF-style: chr2-179416368-A-G.
Other names: c.86336T>C, p.Val28779Ala (NM_001256850.1); c.64064T>C, p.Val21355Ala (NM_003319.4); c.83555T>C, p.Val27852Ala (NM_133378.4); c.64439T>C, p.Val21480Ala (NM_133432.3); c.64640T>C, p.Val21547Ala (NM_133437.4); short protein forms V21355A, V21480A, V21547A, V27852A, V28779A, V30420A.
Identifiers: ClinVar variation 3778617 (VCV003778617.7).